The following is an entry in ClinVar:

ClinVar aggregate classification (germline): Likely benign. Review status: criteria provided, multiple submitters, no conflicts (2 of 4 stars). 2 submissions from 2 submitters: Likely benign (2). Last evaluated 2025-09-28.

Conditions:
Juvenile polyposis syndrome (JPS). Identifiers: Orphanet 2929, MedGen C0345893, MONDO:0017380, OMIM 174900.
Juvenile polyposis/hereditary hemorrhagic telangiectasia syndrome (JPHT). Also called: Juvenile Polyposis Syndrome / Hereditary Hemorrhagic Telangiectasia (JPS/HHT); JP/HHT SYNDROME; JUVENILE POLYPOSIS WITH HEREDITARY HEMORRHAGIC TELANGIECTASIA; POLYPOSIS, GENERALIZED JUVENILE, WITH PULMONARY ARTERIOVENOUS MALFORMATION; TELANGIECTASIA, HEREDITARY HEMORRHAGIC, WITH JUVENILE POLYPOSIS COLI. Identifiers: Orphanet 2929, MedGen C1832942, MONDO:0008278, OMIM 175050.

Allele frequency attached by ClinVar (database versions not stated): gnomAD exomes 0.00001.
gnomAD v4.1: 9 of 1,610,092 alleles (0.00056%); highest among the groups gnomAD compares: Non-Finnish European, 0.00076%; no homozygotes.

Submissions (2):

Labcorp Genetics (formerly Invitae), Labcorp
Classification: Likely benign for Juvenile polyposis syndrome. Last evaluated: 2025-09-28. Review status: criteria provided, single submitter. Criteria: Invitae Variant Classification Sherloc (09022015). Collection method: clinical testing. Allele origin: germline.

Myriad Genetics, Inc.
Classification: Likely benign for Juvenile polyposis/hereditary hemorrhagic telangiectasia syndrome. Last evaluated: 2025-03-24. Review status: criteria provided, single submitter. Criteria: Myriad Autosomal Dominant, Autosomal Recessive and X-Linked Classification Criteria (2023). Collection method: clinical testing. Allele origin: unknown.
Comment: This variant is considered likely benign. This variant is intronic and is not expected to impact mRNA splicing.

NM_005359.6(SMAD4):c.1448-7C>T

Gene: SMAD4 (SMAD family member 4; plus strand). Cytogenetic location: 18q21.2.
Variant type: single nucleotide variant.
Coding change: c.1448-7C>T on transcript NM_005359.6 (MANE Select); 7 bases into the intron before coding-DNA position 1448, C replaced by T.
Molecular consequence: intron variant.
Genome position (GRCh38, 1-based): chr18:51,078,249, C>T. VCF-style: chr18-51078249-C-T. GRCh37 (hg19) VCF-style: chr18-48604619-C-T.
Identifiers: ClinVar variation 752651 (VCV000752651.10), dbSNP rs1599205183, ClinGen allele CA915951541.
Genomic context (GRCh38, chr18:51,078,249, plus strand): 5'-TAGAATGTAGGGAGGATGGGAAGAGATCACCCTGTCCCTCTGATGTCTTCCAAATCTTTT[C>T]TGTTAGGTCTGTCAGCTGCTGCTGGAATTGGTGTTGATGACCTTCGTCGCTTATGCATAC-3'